The following is an entry in ClinVar:

ClinVar aggregate classification (germline): Conflicting classifications of pathogenicity. Review status: criteria provided, conflicting classifications (1 of 4 stars). 4 submissions from 4 submitters: Uncertain significance (3); Likely benign (1). Last evaluated 2026-01-31.

Conditions:
Hereditary cancer-predisposing syndrome. Also called: Neoplastic Syndromes, Hereditary; Tumor predisposition; Hereditary neoplastic syndrome; Hereditary Cancer Syndrome. Identifiers: Orphanet 140162, MedGen C0027672, MeSH D009386, MONDO:0015356.

Allele frequency attached by ClinVar (database versions not stated): gnomAD 0.00001; TOPMed 0.00002.
gnomAD v4.1: 10 of 1,588,836 alleles (0.00063%); highest among the groups gnomAD compares: Admixed American, 0.012%; no homozygotes.

Submissions (4):

Labcorp Genetics (formerly Invitae), Labcorp
Classification: Uncertain significance. Last evaluated: 2026-01-31. Review status: criteria provided, single submitter. Criteria: Invitae Variant Classification Sherloc (09022015). Collection method: clinical testing. Allele origin: germline.
Comment: This sequence change replaces glycine, which is neutral and non-polar, with alanine, which is neutral and non-polar, at codon 24 of the NTHL1 protein (p.Gly24Ala). This variant is present in population databases (rs747325774, gnomAD 0.02%). This variant has not been reported in the literature in individuals affected with NTHL1-related conditions. ClinVar contains an entry for this variant (Variation ID: 642420). An algorithm developed to predict the effect of missense changes on protein structure and function outputs the following: PolyPhen-2: "Benign". The alanine amino acid residue is found in multiple mammalian species, which suggests that this missense change does not adversely affect protein function. In summary, the available evidence is currently insufficient to determine the role of this variant in disease. Therefore, it has been classified as a Variant of Uncertain Significance.

Quest Diagnostics Nichols Institute San Juan Capistrano
Classification: Uncertain significance. Last evaluated: 2025-05-02. Review status: criteria provided, single submitter. Criteria: Quest Diagnostics criteria. Collection method: clinical testing. Allele origin: unknown.
Comment: The NTHL1 c.71G>C (p.Gly24Ala) variant has not been reported in individuals with NTHL1-related conditions in the published literature. The frequency of this variant in the general population (Genome Aggregation Database) is uninformative in the assessment of its pathogenicity. Analysis of this variant using bioinformatics tools for the prediction of the effect of amino acid changes on protein structure and function yielded predictions that this variant is benign. Based on the available information, we are unable to determine the clinical significance of this variant.

Ambry Genetics
Classification: Likely benign for Hereditary cancer-predisposing syndrome. Last evaluated: 2024-03-27. Review status: criteria provided, single submitter. Criteria: Ambry Variant Classification Scheme 2023. Collection method: clinical testing. Allele origin: germline.

GeneDx
Classification: Uncertain significance. Last evaluated: 2022-07-12. Review status: criteria provided, single submitter. Criteria: GeneDx Variant Classification Process June 2021. Collection method: clinical testing. Allele origin: germline. Affected: yes.
Comment: Has not been previously published as pathogenic or benign to our knowledge; In silico analysis supports that this missense variant does not alter protein structure/function

NM_002528.7(NTHL1):c.47G>C (p.Gly16Ala)

Gene: NTHL1 (nth like DNA glycosylase 1; minus strand). Cytogenetic location: 16p13.3.
Variant type: single nucleotide variant.
Coding change: c.47G>C on transcript NM_002528.7 (MANE Select); coding-DNA position 47, G replaced by C.
Protein change: p.Gly16Ala; replaces glycine 16 with alanine.
Molecular consequence: missense variant. On other transcripts: 5 prime UTR variant (1).
Genome position (GRCh38, 1-based): chr16:2,047,777, C>G on the plus strand (G>C on the coding strand, the complement: NTHL1 is on the minus strand). VCF-style: chr16-2047777-C-G. GRCh37 (hg19) VCF-style: chr16-2097778-C-G.
Other names: c.47G>C, p.Gly16Ala (NM_001318193.2, LRG_1366t1); c.-132G>C (NM_001318194.2); short protein forms G16A.
Identifiers: ClinVar variation 642420 (VCV000642420.15), dbSNP rs747325774, ClinGen allele CA027845.